The following is an entry in ClinVar:

ClinVar aggregate classification (germline): Likely pathogenic (1 of 4 stars; one submission).

Conditions:
Craniofrontonasal syndrome (CFNS). Also called: CRANIOFRONTONASAL DYSOSTOSIS. Identifiers: Orphanet 1520, MedGen C0220767, MONDO:0010570, OMIM 304110.

Submission:

Laboratorio de Genetica e Diagnostico Molecular, Hospital Israelita Albert Einstein
Classification: Likely pathogenic for Craniofrontonasal syndrome. Last evaluated: 2024-07-30. Review status: criteria provided, single submitter. Criteria: ACMG Guidelines, 2015. Collection method: clinical testing. Allele origin: germline. Affected: yes.
Comment: ACMG classification criteria: PVS1 very strong, PM2 supporting

NM_004429.5(EFNB1):c.334del (p.Ile112fs)

Gene: EFNB1 (ephrin B1; plus strand). Cytogenetic location: Xq13.1.
Variant type: Deletion.
Coding change: c.334del on transcript NM_004429.5 (MANE Select); coding-DNA position 334, one base deleted (A; older notation c.334delA).
Protein change: p.Ile112fs; shifts the reading frame from isoleucine 112.
Molecular consequence: frameshift variant.
Genome position (GRCh38, 1-based): chrX:68,838,822, A deleted. VCF-style (leftmost placement, unchanged base first): chrX-68838821-CA-C. GRCh37 (hg19) VCF-style: chrX-68058664-CA-C.
Other names: short protein forms I112fs.
Identifiers: ClinVar variation 3901982 (VCV003901982.1).